The following is an entry in ClinVar:

ClinVar aggregate classification (germline): Conflicting classifications of pathogenicity. Review status: criteria provided, conflicting classifications (1 of 4 stars). 15 submissions from 11 submitters: Uncertain significance (3); Benign (3); Likely benign (6). 3 of the submissions do not count toward it. Last evaluated 2026-02-01.

Conditions:
TTN-related disorder. Also called: TTN-related condition; TTN-related disease; TTN-related disorders.
Cardiovascular phenotype. Identifiers: MedGen CN230736.
Dilated cardiomyopathy 1G (CMD1G). Identifiers: Orphanet 154, MedGen C1858763, MONDO:0011400, OMIM 604145.
Autosomal recessive limb-girdle muscular dystrophy type 2J (LGMDR10). Also called: Limb-girdle muscular dystrophy, type 2J; MUSCULAR DYSTROPHY, LIMB-GIRDLE, AUTOSOMAL RECESSIVE 10. Identifiers: Orphanet 140922, MedGen C1837342, MONDO:0012127, OMIM 608807.
Early-onset myopathy with fatal cardiomyopathy (CMYO5). Also called: Salih Myopathy; CONGENITAL MYOPATHY 5 WITH CARDIOMYOPATHY. Identifiers: Orphanet 289377, MedGen C2673677, MONDO:0012714, OMIM 611705. Disease mechanism: loss of function.
Myopathy, myofibrillar, 9, with early respiratory failure (MFM9). Also called: Hereditary myopathy with early respiratory failure; Myopathy, distal, with early respiratory failure, autosomal dominant; EDSTROM MYOPATHY; MYOPATHY, PROXIMAL, WITH EARLY RESPIRATORY MUSCLE INVOLVEMENT. Identifiers: Orphanet 178464, Orphanet 34521, MedGen C1863599, MONDO:0011362, OMIM 603689.
Tibial muscular dystrophy (TMD). Also called: Udd Distal Myopathy – Tibial Muscular Dystrophy; Tibial muscular dystrophy, tardive; UDD MYOPATHY. Identifiers: Orphanet 609, MedGen C1838244, MONDO:0010870, OMIM 600334.

Allele frequency attached by ClinVar (database versions not stated): ESP Exome Variant Server 0.00008; TOPMed 0.00009; gnomAD 0.00012 and 0.00030; gnomAD exomes 0.00023 and 0.00035; ExAC 0.00030; 1000 Genomes Project 30x 0.00078; 1000 Genomes Project 0.00100.
gnomAD v4.1: 555 of 1,612,318 alleles (0.034%); highest among the groups gnomAD compares: East Asian, 0.89%; 8 homozygotes.

Submissions (15):

CeGaT Center for Human Genetics Tuebingen
Classification: Likely benign. Last evaluated: 2026-02-01. Review status: criteria provided, single submitter. Criteria: CeGaT Center For Human Genetics Tuebingen Variant Classification Criteria Version 2. Collection method: clinical testing. Allele origin: germline. Affected: yes. Observed: 5 variant alleles.
Comment: TTN: BP4, BP7

Labcorp Genetics (formerly Invitae), Labcorp
Classification: Benign for Dilated cardiomyopathy 1G; Autosomal recessive limb-girdle muscular dystrophy type 2J. Last evaluated: 2026-01-11. Review status: criteria provided, single submitter. Criteria: Invitae Variant Classification Sherloc (09022015). Collection method: clinical testing. Allele origin: germline.

Blueprint Genetics
Classification: Likely benign. Last evaluated: 2024-11-23. Review status: criteria provided, single submitter. Criteria: ACMG Guidelines, 2015. Collection method: clinical testing. Allele origin: germline.

GeneDx
Classification: Likely benign. Last evaluated: 2020-09-02. Review status: criteria provided, single submitter. Criteria: GeneDx Variant Classification Process June 2021. Collection method: clinical testing. Allele origin: germline. Affected: yes.

Eurofins Ntd Llc (ga)
Classification: Likely benign. Last evaluated: 2018-02-28. Review status: criteria provided, single submitter. Criteria: EGL ClinVar v180209 classification definitions. Collection method: clinical testing. Allele origin: germline. Observed: 1 variant allele, 1 heterozygote.

Illumina Laboratory Services, Illumina
Classification: Benign for Myopathy, myofibrillar, 9, with early respiratory failure. Last evaluated: 2018-01-12. Review status: criteria provided, single submitter. Criteria: ICSL Variant Classification Criteria 13 December 2019. Collection method: clinical testing. Allele origin: germline.
Comment: This variant was observed in the ICSL laboratory as part of a predisposition screen in an ostensibly healthy population. It had not been previously curated by ICSL or reported in the Human Gene Mutation Database (HGMD: prior to June 1st, 2018), and was therefore a candidate for classification through an automated scoring system. Utilizing variant allele frequency, disease prevalence and penetrance estimates, and inheritance mode, an automated score was calculated to assess if this variant is too frequent to cause the disease. Based on the score and internal cut-off values, a variant classified as benign is not then subjected to further curation. The score for this variant resulted in a classification of benign for this disease.

Illumina Laboratory Services, Illumina
Classification: Uncertain significance for Dilated cardiomyopathy 1G. Last evaluated: 2018-01-12. Review status: criteria provided, single submitter. Criteria: ICSL Variant Classification Criteria 13 December 2019. Collection method: clinical testing. Allele origin: germline.

Illumina Laboratory Services, Illumina
Classification: Benign for Tibial muscular dystrophy. Last evaluated: 2018-01-12. Review status: criteria provided, single submitter. Criteria: ICSL Variant Classification Criteria 13 December 2019. Collection method: clinical testing. Allele origin: germline.
Comment: the same text as in the submission from Illumina Laboratory Services, Illumina above.

Illumina Laboratory Services, Illumina
Classification: Uncertain significance for Autosomal recessive limb-girdle muscular dystrophy type 2J. Last evaluated: 2018-01-12. Review status: criteria provided, single submitter. Criteria: ICSL Variant Classification Criteria 13 December 2019. Collection method: clinical testing. Allele origin: germline.

Illumina Laboratory Services, Illumina
Classification: Uncertain significance for Early-onset myopathy with fatal cardiomyopathy. Last evaluated: 2018-01-12. Review status: criteria provided, single submitter. Criteria: ICSL Variant Classification Criteria 13 December 2019. Collection method: clinical testing. Allele origin: germline.

Ambry Genetics
Classification: Likely benign for Cardiovascular phenotype. Last evaluated: 2013-01-10. Review status: criteria provided, single submitter. Criteria: Ambry Autosomal Dominant and X-Linked criteria (10/2015). Collection method: clinical testing. Allele origin: germline. Observed: 1 variant allele.

Laboratory for Molecular Medicine, Mass General Brigham Personalized Medicine
Classification: Likely benign. Last evaluated: 2011-12-19. Review status: criteria provided, single submitter. Criteria: LMM Criteria. Collection method: clinical testing. Allele origin: germline. Observed: 1 variant allele.
Comment: Asn4127Asn in 52 of TTN: This variant is not expected to have clinical significa nce because it does not alter an amino acid residue, is not located within the s plice consensus sequence. It has been reported in 1/6693 European American chro mosomes and 1/3179 African American chromosomes by the NHBLI Exome sequencing pr oject (rs143845692; note: this cohort contained individuals with heart disease). Asn4127Asn in 52 of TTN (rs143845692; NHBLI Exome Seq Project; allele frequency = 0.01-0.03%)

PreventionGenetics, part of Exact Sciences
Classification: Likely benign for TTN-related condition. Last evaluated: 2020-03-18. Review status: no assertion criteria provided. Collection method: clinical testing. Allele origin: germline. Not counted in ClinVar's aggregate classification.
Comment: This variant is classified as likely benign based on ACMG/AMP sequence variant interpretation guidelines (Richards et al. 2015 PMID: 25741868, with internal and published modifications).

Clinical Genetics DNA and cytogenetics Diagnostics Lab, Erasmus MC, Erasmus Medical Center
Classification: Likely benign. Review status: no assertion criteria provided. Collection method: clinical testing. Allele origin: germline. Affected: yes. Study: VKGL Data-share Consensus. Not counted in ClinVar's aggregate classification.

Joint Genome Diagnostic Labs from Nijmegen and Maastricht, Radboudumc and MUMC+
Classification: Likely benign. Review status: no assertion criteria provided. Collection method: clinical testing. Allele origin: germline. Affected: yes. Study: VKGL Data-share Consensus. Not counted in ClinVar's aggregate classification.

NM_001267550.2(TTN):c.16113T>C (p.Asn5371=)

Gene: TTN (titin; minus strand). Cytogenetic location: 2q31.2.
Variant type: single nucleotide variant.
Coding change: c.16113T>C on transcript NM_001267550.2 (MANE Select); coding-DNA position 16113, T replaced by C.
Protein change: p.Asn5371=; no amino-acid change (asparagine 5371 retained).
Molecular consequence: synonymous variant. On other transcripts: intron variant (3).
Genome position (GRCh38, 1-based): chr2:178,733,063, A>G on the plus strand (T>C on the coding strand, the complement: TTN is on the minus strand). VCF-style: chr2-178733063-A-G. GRCh37 (hg19) VCF-style: chr2-179597790-A-G.
Other names: c.15162T>C, p.Asn5054= (NM_001256850.1); c.12381T>C, p.Asn4127= (NM_133378.4); c.13282+5019T>C (NM_003319.4); c.13858+5019T>C (NM_133437.4); c.13657+5019T>C (NM_133432.3).
Identifiers: ClinVar variation 46613 (VCV000046613.72), dbSNP rs143845692, ClinGen allele CA138759.